The following is an entry in ClinVar:

ClinVar aggregate classification (germline): Likely benign. Review status: criteria provided, multiple submitters, no conflicts (2 of 4 stars). 2 submissions from 2 submitters: Likely benign (2). Last evaluated 2025-12-24.

Conditions:
KMT2D-related disorder. Also called: KMT2D-Related Disorders.
Kabuki syndrome. Also called: NIIKAWA-KUROKI SYNDROME; Kabuki make-up syndrome. Identifiers: Orphanet 2322, MedGen C0796004, MONDO:0016512.

Submissions (2):

Labcorp Genetics (formerly Invitae), Labcorp
Classification: Likely benign for Kabuki syndrome. Last evaluated: 2025-12-24. Review status: criteria provided, single submitter. Criteria: Invitae Variant Classification Sherloc (09022015). Collection method: clinical testing. Allele origin: germline.

PreventionGenetics, part of Exact Sciences
Classification: Likely benign for KMT2D-related condition. Last evaluated: 2025-07-09. Review status: criteria provided, single submitter. Criteria: ACMG Guidelines, 2015. Collection method: clinical testing. Allele origin: germline.
Comment: This variant is classified as likely benign based on ACMG/AMP sequence variant interpretation guidelines (Richards et al. 2015 PMID: 25741868, with internal and published modifications).

NM_003482.4(KMT2D):c.1485T>C (p.Ser495=)

Gene: KMT2D (lysine methyltransferase 2D; minus strand). Cytogenetic location: 12q13.12.
Variant type: single nucleotide variant.
Coding change: c.1485T>C on transcript NM_003482.4 (MANE Select); coding-DNA position 1485, T replaced by C.
Protein change: p.Ser495=; no amino-acid change (serine 495 retained).
Molecular consequence: synonymous variant.
Genome position (GRCh38, 1-based): chr12:49,052,198, A>G on the plus strand (T>C on the coding strand, the complement: KMT2D is on the minus strand). VCF-style: chr12-49052198-A-G. GRCh37 (hg19) VCF-style: chr12-49445981-A-G.
Identifiers: ClinVar variation 4711817 (VCV004711817.2).